The following is an entry in ClinVar:

ClinVar aggregate classification (germline): Uncertain significance. Review status: criteria provided, single submitter (1 of 4 stars). 2 submissions from 2 submitters: Uncertain significance (1). 1 of the submissions does not count toward it. Last evaluated 2024-01-30.

Conditions:
Coronary artery disease, autosomal dominant 2 (ADCAD2). Identifiers: MedGen C1970440, MONDO:0012586, OMIM 610947.

Allele frequency attached by ClinVar (database versions not stated): gnomAD exomes 0.00001; TOPMed 0.00001; gnomAD 0.00002.
gnomAD v4.1: 10 of 1,613,692 alleles (0.00062%); highest among the groups gnomAD compares: South Asian, 0.0033%; no homozygotes.

Submissions (2):

Mayo Clinic Laboratories, Mayo Clinic
Classification: Uncertain significance. Last evaluated: 2024-01-30. Review status: criteria provided, single submitter. Criteria: ACMG Guidelines, 2015. Collection method: clinical testing. Allele origin: germline. Observed: 1 variant allele.
Comment: PP1, PP3, PS3_supporting

OMIM
Classification: Pathogenic for CORONARY ARTERY DISEASE, AUTOSOMAL DOMINANT 2. Last evaluated: 2013-09-01. Review status: no assertion criteria provided. Collection method: literature only. Allele origin: germline. Not counted in ClinVar's aggregate classification.

Literature cited by the submitters: PubMed 23703864 (cited by Mayo Clinic Laboratories, Mayo Clinic and OMIM); PubMed 31589614 (cited by Mayo Clinic Laboratories, Mayo Clinic).

NM_002336.3(LRP6):c.1418G>A (p.Arg473Gln)

Gene: LRP6 (LDL receptor related protein 6; minus strand). Cytogenetic location: 12p13.2.
Variant type: single nucleotide variant.
Coding change: c.1418G>A on transcript NM_002336.3 (MANE Select); coding-DNA position 1418, G replaced by A.
Protein change: p.Arg473Gln; replaces arginine 473 with glutamine.
Molecular consequence: missense variant.
Genome position (GRCh38, 1-based): chr12:12,179,937, C>T on the plus strand (G>A on the coding strand, the complement: LRP6 is on the minus strand). VCF-style: chr12-12179937-C-T. GRCh37 (hg19) VCF-style: chr12-12332871-C-T.
Other names: short protein forms R473Q.
Identifiers: ClinVar variation 66055 (VCV000066055.3), dbSNP rs397515474, ClinGen allele CA144852.